The following is an entry in ClinVar:

ClinVar aggregate classification (germline): Likely benign. Review status: criteria provided, multiple submitters, no conflicts (2 of 4 stars). 2 submissions from 2 submitters: Likely benign (2). Last evaluated 2026-08-01.

Conditions:
Muscular dystrophy-dystroglycanopathy type B6 (MDDGB6). Also called: MUSCULAR DYSTROPHY-DYSTROGLYCANOPATHY (CONGENITAL WITH IMPAIRED INTELLECTUAL DEVELOPMENT), TYPE B, 6; MUSCULAR DYSTROPHY, CONGENITAL, LARGE-RELATED; MUSCULAR DYSTROPHY, CONGENITAL, TYPE 1D. Identifiers: MedGen C1837229, MONDO:0012138, OMIM 608840.

Allele frequency attached by ClinVar (database versions not stated): gnomAD 0.00001; TOPMed 0.00001; ExAC 0.00002; ESP Exome Variant Server 0.00008.
gnomAD v4.1: 8 of 1,613,922 alleles (0.0005%); highest among the groups gnomAD compares: Non-Finnish European, 0.00068%; no homozygotes.

Submissions (2):

CeGaT Center for Human Genetics Tuebingen
Classification: Likely benign. Last evaluated: 2026-08-01. Review status: criteria provided, single submitter. Criteria: CeGaT Center For Human Genetics Tuebingen Variant Classification Criteria Version 2. Collection method: clinical testing. Allele origin: germline. Affected: yes. Observed: 1 variant allele.
Comment: LARGE1: BP4, BP7

Labcorp Genetics (formerly Invitae), Labcorp
Classification: Likely benign for Muscular dystrophy-dystroglycanopathy type B6. Last evaluated: 2024-01-24. Review status: criteria provided, single submitter. Criteria: Invitae Variant Classification Sherloc (09022015). Collection method: clinical testing. Allele origin: germline.

NM_133642.5(LARGE1):c.804C>A (p.Gly268=)

Gene: LARGE1 (LARGE xylosyl- and glucuronyltransferase 1; minus strand). Cytogenetic location: 22q12.3.
Variant type: single nucleotide variant.
Coding change: c.804C>A on transcript NM_133642.5 (MANE Select); coding-DNA position 804, C replaced by A.
Protein change: p.Gly268=; no amino-acid change (glycine 268 retained).
Molecular consequence: synonymous variant.
Genome position (GRCh38, 1-based): chr22:33,432,249, G>T on the plus strand (C>A on the coding strand, the complement: LARGE1 is on the minus strand). VCF-style: chr22-33432249-G-T. GRCh37 (hg19) VCF-style: chr22-33828235-G-T.
Other names: c.804C>A, p.Gly268= (NM_001362949.2, NM_001362951.2, NM_001362953.2 and 7 more transcripts); c.201C>A, p.Gly67= (NM_001378630.1, NM_001378631.1).
Identifiers: ClinVar variation 2898207 (VCV002898207.4), dbSNP rs369673305, ClinGen allele CA10202927.